The following is an entry in ClinVar:

ClinVar aggregate classification (germline): Uncertain significance. Review status: criteria provided, multiple submitters, no conflicts (2 of 4 stars). 2 submissions from 2 submitters: Uncertain significance (2). Last evaluated 2020-03-13.

Conditions:
Inborn genetic diseases. Identifiers: MedGen C0950123, MeSH D030342.
Charcot-Marie-Tooth disease type 4. Also called: Charcot-Marie-Tooth disease, type IV; Charcot-Marie-Tooth, Type 4. Identifiers: Orphanet 64749, MedGen C4082197, MONDO:0018995.

Allele frequency attached by ClinVar (database versions not stated): gnomAD exomes below 0.00001.
gnomAD v4.1: 2 of 1,501,562 alleles (0.00013%); highest among the groups gnomAD compares: Non-Finnish European, 0.00019%; no homozygotes.

Submissions (2):

Ambry Genetics
Classification: Uncertain significance for Inborn genetic diseases. Last evaluated: 2020-03-13. Review status: criteria provided, single submitter. Criteria: Ambry Variant Classification Scheme 2023. Collection method: clinical testing. Allele origin: germline.
Comment: The c.1601-3T>G intronic variant results from a T to G substitution 3 nucleotides upstream from coding exon 15 in the SBF2 gene. Based on nucleotide sequence alignment, this nucleotide position is not well conserved in available vertebrate species. Using the BDGP and ESEfinder splice site prediction tools, this splice prediction software predicts that this alteration will abolish the native splice acceptor site; however, direct evidence is unavailable. Since supporting evidence is limited at this time, the clinical significance of this alteration remains unclear.

Labcorp Genetics (formerly Invitae), Labcorp
Classification: Uncertain significance for Charcot-Marie-Tooth disease type 4. Last evaluated: 2020-02-27. Review status: criteria provided, single submitter. Criteria: Invitae Variant Classification Sherloc (09022015). Collection method: clinical testing. Allele origin: germline.
Comment: This sequence change falls in intron 14 of the SBF2 gene. It does not directly change the encoded amino acid sequence of the SBF2 protein, but it affects a nucleotide within the consensus splice site of the intron. This variant is not present in population databases (ExAC no frequency). This variant has not been reported in the literature in individuals with SBF2-related conditions. Nucleotide substitutions within the consensus splice site are a relatively common cause of aberrant splicing (PMID: 17576681, 9536098). Algorithms developed to predict the effect of sequence changes on RNA splicing suggest that this variant may disrupt the consensus splice site, but this prediction has not been confirmed by published transcriptional studies. In summary, the available evidence is currently insufficient to determine the role of this variant in disease. Therefore, it has been classified as a Variant of Uncertain Significance.

Literature cited by the submitters: PubMed 17576681 (cited by Labcorp Genetics (formerly Invitae), Labcorp); PubMed 9536098 (cited by Labcorp Genetics (formerly Invitae), Labcorp).

NM_030962.4(SBF2):c.1601-3T>G

Gene: SBF2 (SET binding factor 2; minus strand). Cytogenetic location: 11p15.4.
Variant type: single nucleotide variant.
Coding change: c.1601-3T>G on transcript NM_030962.4 (MANE Select); 3 bases into the intron before coding-DNA position 1601, T replaced by G.
Molecular consequence: intron variant.
Genome position (GRCh38, 1-based): chr11:9,963,885, A>C on the plus strand (T>G on the coding strand, the complement: SBF2 is on the minus strand). VCF-style: chr11-9963885-A-C. GRCh37 (hg19) VCF-style: chr11-9985432-A-C.
Other names: c.1472-3T>G (NM_001386342.1); c.1601-3T>G (NM_001386339.1).
Identifiers: ClinVar variation 1052400 (VCV001052400.11), dbSNP rs2134369689, ClinGen allele CA2499221376.